The following is an entry in ClinVar:

ClinVar aggregate classification (germline): Pathogenic/Likely pathogenic. Review status: criteria provided, multiple submitters, no conflicts (2 of 4 stars). 2 submissions from 2 submitters: Pathogenic (1); Likely pathogenic (1). Last evaluated 2021-01-21.

Conditions:
Smith-McCort dysplasia 2 (SMC2). Identifiers: MedGen C3714896, MONDO:0014087, OMIM 615222.

Submissions (2):

Medgenome Labs Ltd
Classification: Pathogenic for Smith-McCort dysplasia 2. Last evaluated: 2021-01-21. Review status: criteria provided, single submitter. Criteria: ACMG Guidelines, 2015. Collection method: research. Allele origin: germline. Affected: yes. Observed: 2 variant alleles.
Comment: Homozygous in two affected siblings and the parents were heterozygous for the variant

Dr Meenakshi Bhat Group, Centre for Human Genetics
Classification: Likely pathogenic for Smith-McCort dysplasia-2. Last evaluated: 2016-12-05. Review status: criteria provided, single submitter. Criteria: ACMG Guidelines, 2015. Collection method: research. Allele origin: inherited. Inheritance: Autosomal recessive inheritance. Affected: yes. Observed: 1 homozygote.

NM_031296.3(RAB33B):c.186del (p.Glu63fs)

Genes: RAB33B (RAB33B, member RAS oncogene family; plus strand), LOC129993110 (ATAC-STARR-seq lymphoblastoid active region 21925; plus strand). Cytogenetic location: 4q31.1.
Variant type: Deletion.
Coding change: c.186del on transcript NM_031296.3 (MANE Select); coding-DNA position 186, one base deleted (C; older notation c.186delC).
Protein change: p.Glu63fs; shifts the reading frame from glutamic acid 63.
Molecular consequence: frameshift variant.
Genome position (GRCh38, 1-based): chr4:139,454,381, C deleted; the last of 2 consecutive C bases (chr4:139,454,380-139,454,381); deleting either gives the same sequence. VCF-style (leftmost placement, unchanged base first): chr4-139454379-AC-A. GRCh37 (hg19) VCF-style: chr4-140375533-AC-A.
Other names: short protein forms E63fs.
Identifiers: ClinVar variation 599277 (VCV000599277.2), dbSNP rs1561002040, ClinGen allele CA913189706.